The following is an entry in ClinVar:

ClinVar aggregate classification (germline): Likely benign (1 of 4 stars; one submission).

Conditions:
SLCO1B3-related disorder. Also called: SLCO1B3-related condition.

gnomAD v4.1: 2 of 1,611,768 alleles (0.00012%); highest among the groups gnomAD compares: Non-Finnish European, 0.00017%; no homozygotes.

Submission:

PreventionGenetics, part of Exact Sciences
Classification: Likely benign for SLCO1B3-related condition. Last evaluated: 2026-08-12. Review status: criteria provided, single submitter. Criteria: ACMG Guidelines, 2015. Collection method: clinical testing. Allele origin: germline.
Comment: This variant is classified as likely benign based on ACMG/AMP sequence variant interpretation guidelines (Richards et al. 2015 PMID: 25741868, with internal and published modifications).

NM_019844.4(SLCO1B3):c.681A>G (p.Gly227=)

Genes: SLCO1B3 (solute carrier organic anion transporter family member 1B3; plus strand), SLCO1B3-SLCO1B7 (SLCO1B3-SLCO1B7 readthrough; plus strand). Cytogenetic location: 12p12.2.
Variant type: single nucleotide variant.
Coding change: c.681A>G on transcript NM_019844.4 (MANE Select); coding-DNA position 681, A replaced by G.
Protein change: p.Gly227=; no amino-acid change (glycine 227 retained).
Molecular consequence: synonymous variant.
Genome position (GRCh38, 1-based): chr12:20,862,808, A>G. VCF-style: chr12-20862808-A-G. GRCh37 (hg19) VCF-style: chr12-21015742-A-G.
Other names: c.681A>G, p.Gly227= (NM_001371097.1); c.597A>G, p.Gly199= (NM_001349920.2).
Identifiers: ClinVar variation 4993885 (VCV004993885.1).